The following is an entry in ClinVar:

ClinVar aggregate classification (germline): Uncertain significance (1 of 4 stars; one submission).

Conditions:
Cystic fibrosis (CF). Also called: MUCOVISCIDOSIS. Identifiers: Orphanet 586, MedGen C0010674, MONDO:0009061, OMIM 219700. Disease mechanism: loss of function.

Submission:

Ambry Genetics
Classification: Uncertain significance for Cystic fibrosis. Last evaluated: 2024-11-10. Review status: criteria provided, single submitter. Criteria: Ambry Variant Classification Scheme 2023. Collection method: clinical testing. Allele origin: germline.
Comment: The p.Q1042K variant (also known as c.3124C>A), located in coding exon 19 of the CFTR gene, results from a C to A substitution at nucleotide position 3124. The glutamine at codon 1042 is replaced by lysine, an amino acid with similar properties. This amino acid position is conserved. In addition, the in silico prediction for this alteration is inconclusive. Based on the available evidence, the clinical significance of this variant remains unclear.

NM_000492.4(CFTR):c.3124C>A (p.Gln1042Lys)

Genes: CFTR (CF transmembrane conductance regulator; plus strand), CFTR-AS2 (CFTR antisense RNA 2; minus strand), LOC111674472 (DNase I hypersensitive sites in introns 16 and 17a of CFTR; plus strand). Cytogenetic location: 7q31.2.
Variant type: single nucleotide variant.
Coding change: c.3124C>A on transcript NM_000492.4 (MANE Select); coding-DNA position 3124, C replaced by A.
Protein change: p.Gln1042Lys; replaces glutamine 1042 with lysine.
Molecular consequence: missense variant.
Genome position (GRCh38, 1-based): chr7:117,610,654, C>A. VCF-style: chr7-117610654-C-A. GRCh37 (hg19) VCF-style: chr7-117250708-C-A.
Other names: short protein forms Q1042K.
Identifiers: ClinVar variation 3491604 (VCV003491604.1).